The following is an entry in ClinVar:

ClinVar aggregate classification (germline): Uncertain significance (1 of 4 stars; one submission).

Conditions:
Hereditary cancer-predisposing syndrome. Also called: Tumor predisposition; Hereditary neoplastic syndrome; Hereditary Cancer Syndrome; Neoplastic Syndromes, Hereditary. Identifiers: Orphanet 140162, MedGen C0027672, MeSH D009386, MONDO:0015356.

Submission:

Color Diagnostics, LLC DBA Color Health
Classification: Uncertain significance for Hereditary cancer-predisposing syndrome. Last evaluated: 2020-11-16. Review status: criteria provided, single submitter. Criteria: ACMG Guidelines, 2015. Collection method: clinical testing. Allele origin: germline.
Comment: This missense variant replaces alanine with valine at codon 160 of the APC protein. Computational prediction is inconclusive regarding the impact of this variant on protein structure and function (internally defined REVEL score threshold 0.5 < inconclusive < 0.7, PMID: 27666373). To our knowledge, functional studies have not been reported for this variant. This variant has not been reported in individuals affected with hereditary cancer in the literature. This variant has not been identified in the general population by the Genome Aggregation Database (gnomAD). The available evidence is insufficient to determine the role of this variant in disease conclusively. Therefore, this variant is classified as a Variant of Uncertain Significance.

NM_000038.6(APC):c.479C>T (p.Ala160Val)

Gene: APC (APC regulator of Wnt signaling pathway; plus strand). Cytogenetic location: 5q22.2.
Variant type: single nucleotide variant.
Coding change: c.479C>T on transcript NM_000038.6 (MANE Select); coding-DNA position 479, C replaced by T.
Protein change: p.Ala160Val; replaces alanine 160 with valine.
Molecular consequence: missense variant. On other transcripts: 5 prime UTR variant (1).
Genome position (GRCh38, 1-based): chr5:112,775,685, C>T. VCF-style: chr5-112775685-C-T. GRCh37 (hg19) VCF-style: chr5-112111382-C-T.
Other names: c.479C>T, p.Ala160Val (NM_001127510.3, NM_001354895.2, NM_001354896.2 and 2 more transcripts); c.509C>T, p.Ala170Val (NM_001127511.3, NM_001354897.2, NM_001354902.2); c.404C>T, p.Ala135Val (NM_001354898.2, NM_001354904.2); c.302C>T, p.Ala101Val (NM_001354900.2, NM_001354901.2, NM_001354905.2); c.-557C>T (NM_001354906.2); short protein forms A101V, A135V, A160V, A170V.
Identifiers: ClinVar variation 1172422 (VCV001172422.2), dbSNP rs2149615378, ClinGen allele CA16022373.
Genomic context (GRCh38, chr5:112,775,685, plus strand): 5'-ATAGGTCATTGCTTCTTGCTGATCTTGACAAAGAAGAAAAGGAAAAAGACTGGTATTACG[C>T]TCAACTTCAGAATCTCACTAAAAGAATAGATAGTCTTCCTTTAACTGAAAATGTAAGTAA-3'
Protein context (NP_000029.2, residues 150-170): KEEKEKDWYY[Ala160Val]QLQNLTKRID